The following is an entry in ClinVar:

ClinVar aggregate classification (germline): Uncertain significance (1 of 4 stars; one submission).

Conditions:
Hereditary spastic paraplegia 11. Also called: SPASTIC PARAPLEGIA, AUTOSOMAL RECESSIVE, COMPLICATED, WITH THIN CORPUS CALLOSUM; SPASTIC PARAPLEGIA, AUTOSOMAL RECESSIVE, WITH MENTAL IMPAIRMENT AND THIN CORPUS CALLOSUM; Nakamura Osame syndrome; Autosomal recessive hereditary spastic paraplegia, mental impairment, and thin corpus callosum; Spastic paraplegia, mental retardation and thin corpus callosum; Spastic Paraplegia 11. Identifiers: Orphanet 2822, MedGen C1858479, MONDO:0011445, OMIM 604360.

Submission:

Labcorp Genetics (formerly Invitae), Labcorp
Classification: Uncertain significance for Hereditary spastic paraplegia 11. Last evaluated: 2022-01-05. Review status: criteria provided, single submitter. Criteria: Invitae Variant Classification Sherloc (09022015). Collection method: clinical testing. Allele origin: germline.
Comment: In summary, the available evidence is currently insufficient to determine the role of this variant in disease. Therefore, it has been classified as a Variant of Uncertain Significance. Algorithms developed to predict the effect of missense changes on protein structure and function are either unavailable or do not agree on the potential impact of this missense change (SIFT: "Tolerated"; PolyPhen-2: "Possibly Damaging"; Align-GVGD: "Class C0"). This variant has not been reported in the literature in individuals affected with SPG11-related conditions. This variant is not present in population databases (gnomAD no frequency). This sequence change replaces alanine, which is neutral and non-polar, with threonine, which is neutral and polar, at codon 2237 of the SPG11 protein (p.Ala2237Thr).

NM_025137.4(SPG11):c.6709G>A (p.Ala2237Thr)

Gene: SPG11 (SPG11 vesicle trafficking associated, spatacsin; minus strand). Cytogenetic location: 15q21.1.
Variant type: single nucleotide variant.
Coding change: c.6709G>A on transcript NM_025137.4 (MANE Select); coding-DNA position 6709, G replaced by A.
Protein change: p.Ala2237Thr; replaces alanine 2237 with threonine.
Molecular consequence: missense variant.
Genome position (GRCh38, 1-based): chr15:44,567,469, C>T on the plus strand (G>A on the coding strand, the complement: SPG11 is on the minus strand). VCF-style: chr15-44567469-C-T. GRCh37 (hg19) VCF-style: chr15-44859667-C-T.
Other names: c.6370G>A, p.Ala2124Thr (NM_001160227.2); c.6565G>A, p.Ala2189Thr (NM_001411132.1); short protein forms A2237T, A2124T, A2189T.
Identifiers: ClinVar variation 2189761 (VCV002189761.4), dbSNP rs2505186125, ClinGen allele CA392214791.
Genomic context (GRCh38, chr15:44,567,469, plus strand): 5'-TGTGACCTCACTCACCCCAGGGCTGAGACTCAATCAATTTCAGTTGGATGCGGGCAGCTG[C>T]CTCGTGGTTCTCGCCAATCTCCCGGCACATGCTGAAGCACAGGGCAATCATATTGTGCTT-3'
Protein context (NP_079413.3, residues 2227-2247): MCREIGENHE[Ala2237Thr]AARIQLKLIE